The following is an entry in ClinVar:

NM_020975.6(RET):c.1879+6T>C

Gene: RET (ret proto-oncogene; plus strand). Cytogenetic location: 10q11.21.
Variant type: single nucleotide variant.
Coding change: c.1879+6T>C on transcript NM_020975.6 (MANE Select); 6 bases into the intron after coding-DNA position 1879, T replaced by C.
Molecular consequence: intron variant.
Genome position (GRCh38, 1-based): chr10:43,113,681, T>C. VCF-style: chr10-43113681-T-C. GRCh37 (hg19) VCF-style: chr10-43609129-T-C.
Other names: c.1879+6T>C (NM_020630.7, NM_001406743.1, NM_001406744.1 and 4 more transcripts); c.1483+6T>C (NM_001406772.1, NM_001406769.1); c.1441+6T>C (NM_001406773.1, NM_001406771.1); c.982+6T>C (NM_001406782.1, NM_001406780.1, NM_001406779.1 and 2 more transcripts); c.862+718T>C (NM_001406785.1); c.1750+6T>C (NM_001406764.1, NM_001406762.1, NM_001406761.1 and 1 more transcripts); c.1354+6T>C (NM_001406774.1); c.853+6T>C (NM_001406786.1, NM_001406783.1); and 7 more.
Identifiers: ClinVar variation 666200 (VCV000666200.10), dbSNP rs1588873485, ClinGen allele CA915945883.
Genomic context (GRCh38, chr10:43,113,681, plus strand): 5'-TGCAACTGCTTCCCTGAGGAGGAGAAGTGCTTCTGCGAGCCCGAAGACATCCAGGGTGAG[T>C]GGGTGGCGGCCGGGACCACCACCACCTCCCAGCCCCACAGAGGTCTCAACAGCACATCTG-3'

ClinVar aggregate classification (germline): Uncertain significance (1 of 4 stars; one submission).

Conditions:
Multiple endocrine neoplasia, type 2 (MEN2). Identifiers: Orphanet 653, MedGen C4048306, MONDO:0019003. Disease mechanism: gain of function.

Allele frequency attached by ClinVar (database versions not stated): TOPMed below 0.00001.

Submission:

Labcorp Genetics (formerly Invitae), Labcorp
Classification: Uncertain significance for Multiple endocrine neoplasia, type 2. Last evaluated: 2025-05-25. Review status: criteria provided, single submitter. Criteria: Invitae Variant Classification Sherloc (09022015). Collection method: clinical testing. Allele origin: germline.
Comment: This sequence change falls in intron 10 of the RET gene. It does not directly change the encoded amino acid sequence of the RET protein. It affects a nucleotide within the consensus splice site. This variant is not present in population databases (gnomAD no frequency). This variant has not been reported in the literature in individuals affected with RET-related conditions. ClinVar contains an entry for this variant (Variation ID: 666200). Variants that disrupt the consensus splice site are a relatively common cause of aberrant splicing (PMID: 17576681, 9536098). Algorithms developed to predict the effect of sequence changes on RNA splicing suggest that this variant is not likely to affect RNA splicing. In summary, the available evidence is currently insufficient to determine the role of this variant in disease. Therefore, it has been classified as a Variant of Uncertain Significance.

Literature cited by the submitters: PubMed 17576681; PubMed 9536098.